The following is an entry in ClinVar:

ClinVar aggregate classification (germline): Uncertain significance (0 of 4 stars; one submission).

Conditions:
MC4R-related disorder. Also called: MC4R-related condition.

Submission:

PreventionGenetics, part of Exact Sciences
Classification: Uncertain significance for MC4R-related condition. Last evaluated: 2024-05-02. Review status: no assertion criteria provided. Collection method: clinical testing. Allele origin: germline.
Comment: The MC4R c.452T>C variant is predicted to result in the amino acid substitution p.Ile151Thr. To our knowledge, this variant has not been reported in the literature or in a large population database, indicating this variant is rare. At this time, the clinical significance of this variant is uncertain due to the absence of conclusive functional and genetic evidence.

NM_005912.3(MC4R):c.452T>C (p.Ile151Thr)

Gene: MC4R (melanocortin 4 receptor; minus strand). Cytogenetic location: 18q21.32.
Variant type: single nucleotide variant.
Coding change: c.452T>C on transcript NM_005912.3 (MANE Select); coding-DNA position 452, T replaced by C.
Protein change: p.Ile151Thr; replaces isoleucine 151 with threonine.
Molecular consequence: missense variant.
Genome position (GRCh38, 1-based): chr18:60,371,898, A>G on the plus strand (T>C on the coding strand, the complement: MC4R is on the minus strand). VCF-style: chr18-60371898-A-G. GRCh37 (hg19) VCF-style: chr18-58039131-A-G.
Other names: short protein forms I151T.
Identifiers: ClinVar variation 3347563 (VCV003347563.1).